The following is an entry in ClinVar:

NM_002203.4(ITGA2):c.2434C>A (p.Gln812Lys)

Gene: ITGA2 (integrin subunit alpha 2; plus strand). Cytogenetic location: 5q11.2.
Variant type: single nucleotide variant.
Coding change: c.2434C>A on transcript NM_002203.4 (MANE Select); coding-DNA position 2434, C replaced by A.
Protein change: p.Gln812Lys; replaces glutamine 812 with lysine.
Molecular consequence: missense variant. On other transcripts: non-coding transcript variant (4).
Genome position (GRCh38, 1-based): chr5:53,073,122, C>A. VCF-style: chr5-53073122-C-A. GRCh37 (hg19) VCF-style: chr5-52368952-C-A.
Other names: short protein forms Q812K.
Identifiers: ClinVar variation 353766 (VCV000353766.5), dbSNP rs761499417, ClinGen allele CA3263198.

ClinVar aggregate classification (germline): Likely benign (1 of 4 stars; one submission).

Conditions:
Platelet-type bleeding disorder 9 (BDPLT9). Also called: GLYCOPROTEIN Ia DEFICIENCY; GP Ia DEFICIENCY; COLLAGEN PLATELET RECEPTOR DEFICIENCY. Identifiers: Orphanet 73271, Orphanet 98886, MedGen C3280114, MONDO:0013622, OMIM 614200.

Allele frequency attached by ClinVar (database versions not stated): gnomAD exomes 0.00001 and 0.00003; ExAC 0.00002.
gnomAD v4.1: 41 of 1,611,698 alleles (0.0025%); highest among the groups gnomAD compares: Non-Finnish European, 0.0035%; no homozygotes.

Submission:

Illumina Laboratory Services, Illumina
Classification: Likely benign for Platelet-type bleeding disorder 9. Last evaluated: 2018-01-13. Review status: criteria provided, single submitter. Criteria: ICSL Variant Classification Criteria 13 December 2019. Collection method: clinical testing. Allele origin: germline.
Comment: This variant was observed in the ICSL laboratory as part of a predisposition screen in an ostensibly healthy population. It had not been previously curated by ICSL or reported in the Human Gene Mutation Database (HGMD: prior to June 1st, 2018), and was therefore a candidate for classification through an automated scoring system. Utilizing variant allele frequency, disease prevalence and penetrance estimates, and inheritance mode, an automated score was calculated to assess if this variant is too frequent to cause the disease. Based on the score and internal cut-off values, a variant classified as likely benign is not then subjected to further curation. The score for this variant resulted in a classification of likely benign for this disease.